The following is an entry in ClinVar:

NM_000245.4(MET):c.1656G>A (p.Leu552=)

Gene: MET (MET proto-oncogene, receptor tyrosine kinase; plus strand). Cytogenetic location: 7q31.2.
Variant type: single nucleotide variant.
Coding change: c.1656G>A on transcript NM_000245.4 (MANE Select); coding-DNA position 1656, G replaced by A.
Protein change: p.Leu552=; no amino-acid change (leucine 552 retained).
Molecular consequence: synonymous variant.
Genome position (GRCh38, 1-based): chr7:116,740,980, G>A. VCF-style: chr7-116740980-G-A. GRCh37 (hg19) VCF-style: chr7-116381034-G-A.
Other names: c.1656G>A, p.Leu552= (NM_001127500.3, NM_001324401.3); c.366G>A, p.Leu122= (NM_001324402.2).
Identifiers: ClinVar variation 2740854 (VCV002740854.5), dbSNP rs2116837050, ClinGen allele CA457215629.

ClinVar aggregate classification (germline): Benign/Likely benign. Review status: criteria provided, multiple submitters, no conflicts (2 of 4 stars). 3 submissions from 3 submitters: Benign (1); Likely benign (2). Last evaluated 2025-09-30.

Conditions:
Hereditary cancer-predisposing syndrome. Also called: Hereditary Cancer Syndrome; Neoplastic Syndromes, Hereditary; Hereditary neoplastic syndrome; Tumor predisposition. Identifiers: Orphanet 140162, MedGen C0027672, MeSH D009386, MONDO:0015356.
Papillary renal cell carcinoma type 1 (RCCP1). Also called: Renal adenocarcinoma; Renal cell carcinoma 1; Renal cell carcinoma, somatic; RENAL CELL CARCINOMA, PAPILLARY, 1, SOMATIC. Identifiers: Orphanet 47044, MedGen C1336839, OMIM 605074, HP:0011797.
Renal cell carcinoma. Identifiers: Orphanet 217071, MedGen C0007134, MeSH D002292, MONDO:0005086, HP:0005584.

gnomAD v4.1: 3 of 1,613,972 alleles (0.00019%); highest among the groups gnomAD compares: East Asian, 0.0045%; no homozygotes.

Submissions (3):

Labcorp Genetics (formerly Invitae), Labcorp
Classification: Likely benign for Renal cell carcinoma. Last evaluated: 2025-09-30. Review status: criteria provided, single submitter. Criteria: Invitae Variant Classification Sherloc (09022015). Collection method: clinical testing. Allele origin: germline.

Myriad Genetics, Inc.
Classification: Benign for Papillary renal cell carcinoma type 1. Last evaluated: 2024-11-07. Review status: criteria provided, single submitter. Criteria: Myriad Autosomal Dominant, Autosomal Recessive and X-Linked Classification Criteria (2023). Collection method: clinical testing. Allele origin: unknown.
Comment: This variant is considered benign. This variant is a silent/synonymous amino acid change and it is not expected to impact splicing.

Ambry Genetics
Classification: Likely benign for Hereditary cancer-predisposing syndrome. Last evaluated: 2024-09-05. Review status: criteria provided, single submitter. Criteria: Ambry Variant Classification Scheme 2023. Collection method: clinical testing. Allele origin: germline.